The following is an entry in ClinVar:

NM_001040142.2(SCN2A):c.4146C>T (p.Asn1382=)

Gene: SCN2A (sodium voltage-gated channel alpha subunit 2; plus strand). Cytogenetic location: 2q24.3.
Variant type: single nucleotide variant.
Coding change: c.4146C>T on transcript NM_001040142.2 (MANE Select); coding-DNA position 4146, C replaced by T.
Protein change: p.Asn1382=; no amino-acid change (asparagine 1382 retained).
Molecular consequence: synonymous variant.
Genome position (GRCh38, 1-based): chr2:165,374,858, C>T. VCF-style: chr2-165374858-C-T. GRCh37 (hg19) VCF-style: chr2-166231368-C-T.
Other names: c.4146C>T, p.Asn1382= (NM_001040143.2, NM_001371246.1, NM_001371247.1 and 1 more transcripts).
Identifiers: ClinVar variation 2651490 (VCV002651490.24), dbSNP rs1559399339, ClinGen allele CA429887122.

ClinVar aggregate classification (germline): Likely benign (1 of 4 stars; one submission).

Allele frequency attached by ClinVar (database versions not stated): gnomAD exomes below 0.00001.
gnomAD v4.1: 3 of 1,613,570 alleles (0.00019%); highest among the groups gnomAD compares: Non-Finnish European, 0.00025%; no homozygotes.

Submission:

CeGaT Center for Human Genetics Tuebingen
Classification: Likely benign. Last evaluated: 2022-06-01. Review status: criteria provided, single submitter. Criteria: CeGaT Center For Human Genetics Tuebingen Variant Classification Criteria Version 2. Collection method: clinical testing. Allele origin: germline. Affected: yes. Observed: 1 variant allele.
Comment: SCN2A: BP4, BP7